The following is an entry in ClinVar:

NM_001142633.3(PIK3R5):c.933A>G (p.Leu311=)

Gene: PIK3R5 (phosphoinositide-3-kinase regulatory subunit 5; minus strand). Cytogenetic location: 17p13.1.
Variant type: single nucleotide variant.
Coding change: c.933A>G on transcript NM_001142633.3 (MANE Select); coding-DNA position 933, A replaced by G.
Protein change: p.Leu311=; no amino-acid change (leucine 311 retained).
Molecular consequence: synonymous variant. On other transcripts: 5 prime UTR variant (8).
Genome position (GRCh38, 1-based): chr17:8,888,854, T>C on the plus strand (A>G on the coding strand, the complement: PIK3R5 is on the minus strand). VCF-style: chr17-8888854-T-C. GRCh37 (hg19) VCF-style: chr17-8792171-T-C.
Other names: c.-226A>G (NM_001251851.2, NM_001251852.2, NM_001251853.2 and 5 more transcripts); c.933A>G, p.Leu311= (NM_001388396.1, NM_014308.4).
Identifiers: ClinVar variation 129895 (VCV000129895.10), dbSNP rs11650737, ClinGen allele CA154253.

ClinVar aggregate classification (germline): Benign. Review status: criteria provided, multiple submitters, no conflicts (2 of 4 stars). 4 submissions from 4 submitters: Benign (3). 1 of the submissions does not count toward it. Last evaluated 2021-09-05.

Conditions:
Ataxia with oculomotor apraxia type 3. Also called: Ataxia-oculomotor apraxia 3. Identifiers: Orphanet 64753, MedGen C3554690, MONDO:0014084, OMIM 615217.

Allele frequency attached by ClinVar (database versions not stated): 1000 Genomes Project 0.20308; 1000 Genomes Project 30x 0.21065; gnomAD exomes 0.24790 and 0.28578; ExAC 0.25372; gnomAD 0.27768 and 0.28596; TOPMed 0.28866; ESP Exome Variant Server 0.30732.
gnomAD v4.1: 456,971 of 1,604,864 alleles (28%); highest among the groups gnomAD compares: Non-Finnish European, 31%; 68,575 homozygotes.

Submissions (4):

Genome-Nilou Lab
Classification: Benign for Ataxia with oculomotor apraxia type 3. Last evaluated: 2021-09-05. Review status: criteria provided, single submitter. Criteria: ACMG Guidelines, 2015. Collection method: clinical testing. Allele origin: germline. Affected: no.

Breakthrough Genomics
Classification: Benign. Review status: criteria provided, single submitter. Criteria: ACMG Guidelines, 2015. Collection method: not provided. Allele origin: germline. Inheritance: Autosomal recessive inheritance. Affected: yes.

PreventionGenetics, part of Exact Sciences
Classification: Benign. Review status: criteria provided, single submitter. Criteria: ACMG Guidelines, 2015. Collection method: clinical testing. Allele origin: germline.

Genetic Services Laboratory, University of Chicago
Classification: Likely benign for AllHighlyPenetrant. Review status: no assertion criteria provided. Collection method: clinical testing. Allele origin: germline. Inheritance: Autosomal recessive inheritance. Not counted in ClinVar's aggregate classification.
Comment: Likely benign based on allele frequency in 1000 Genomes Project or ESP global frequency and its presence in a patient with a rare or unrelated disease phenotype. NOT Sanger confirmed.